The following is an entry in ClinVar:

NM_001369.3(DNAH5):c.7231-11_7242del

Gene: DNAH5 (dynein axonemal heavy chain 5; minus strand). Cytogenetic location: 5p15.2.
Variant type: Deletion.
Coding change: c.7231-11_7242del on transcript NM_001369.3 (MANE Select); 11 bases into the intron before coding-DNA position 7231 through coding-DNA position 7242, 23 bases deleted (TGAACTGACAGGGTTTTCTTAAG).
Molecular consequence: splice acceptor variant.
Genome position (GRCh38, 1-based): chr5:13,811,812-13,811,834, CTTAAGAAAACCCTGTCAGTTCA deleted on the plus strand (TGAACTGACAGGGTTTTCTTAAG on the coding strand, the reverse complement: DNAH5 is on the minus strand); deleting any 23 consecutive bases within chr5:13,811,812-13,811,835 gives the same sequence; the c. name uses the placement nearest the transcript's 3' end. VCF-style (leftmost placement, unchanged base first): chr5-13811811-TCTTAAGAAAACCCTGTCAGTTCA-T. GRCh37 (hg19) VCF-style: chr5-13811920-TCTTAAGAAAACCCTGTCAGTTCA-T.
Identifiers: ClinVar variation 1905375 (VCV001905375.6), dbSNP rs2546815057, ClinGen allele CA2578270518.

ClinVar aggregate classification (germline): Conflicting classifications of pathogenicity. Review status: criteria provided, conflicting classifications (1 of 4 stars). 2 submissions from 2 submitters: Pathogenic (1); Uncertain significance (1). Last evaluated 2025-08-22.

Conditions:
Primary ciliary dyskinesia. Also called: Ciliary dyskinesia. Identifiers: Orphanet 244, MedGen C0008780, MONDO:0016575, HP:0012265.
Primary ciliary dyskinesia 3. Identifiers: Orphanet 244, MedGen C1837618, MONDO:0012085, OMIM 608644.

Submissions (2):

Myriad Genetics, Inc.
Classification: Uncertain significance for Primary ciliary dyskinesia 3. Last evaluated: 2025-08-22. Review status: criteria provided, single submitter. Criteria: Myriad Autosomal Dominant, Autosomal Recessive and X-Linked Classification Criteria (2023). Collection method: clinical testing. Allele origin: unknown.
Comment: NM_001369.2(DNAH5):c.7231-11_7242del23 is a variant in a canonical splice site classified as a variant of uncertain significance in the context of primary ciliary dyskinesia, DNAH5-related. c.7231-11_7242del23 has not been observed in cases with relevant disease. Relevant functional assessments of this variant are not available in the literature. c.7231-11_7242del23 has not been observed in referenced population frequency databases. In summary, there is insufficient evidence to classify NM_001369.2(DNAH5):c.7231-11_7242del23 as pathogenic or benign. Please note: this variant was assessed in the context of healthy population screening.

Labcorp Genetics (formerly Invitae), Labcorp
Classification: Pathogenic for Primary ciliary dyskinesia. Last evaluated: 2022-03-04. Review status: criteria provided, single submitter. Criteria: Invitae Variant Classification Sherloc (09022015). Collection method: clinical testing. Allele origin: germline.
Comment: This variant results in the deletion of part of exon 44 (c.7231-11_7242del) of the DNAH5 gene. It is expected to disrupt RNA splicing. Variants that disrupt the donor or acceptor splice site typically lead to a loss of protein function (PMID: 16199547), and loss-of-function variants in DNAH5 are known to be pathogenic (PMID: 11788826, 16627867). This variant is not present in population databases (gnomAD no frequency). This variant has been observed in individual(s) with primary ciliary dyskinesia (Invitae). Algorithms developed to predict the effect of sequence changes on RNA splicing suggest that this variant may disrupt the consensus splice site. For these reasons, this variant has been classified as Pathogenic.

Literature cited by the submitters: PubMed 16199547 (cited by Labcorp Genetics (formerly Invitae), Labcorp); PubMed 11788826 (cited by Labcorp Genetics (formerly Invitae), Labcorp); PubMed 16627867 (cited by Labcorp Genetics (formerly Invitae), Labcorp).